The following is an entry in ClinVar:

ClinVar aggregate classification (germline): Uncertain significance. Review status: criteria provided, multiple submitters, no conflicts (2 of 4 stars). 2 submissions from 2 submitters: Uncertain significance (2). Last evaluated 2026-01-08.

Submissions (2):

Labcorp Genetics (formerly Invitae), Labcorp
Classification: Uncertain significance. Last evaluated: 2026-01-08. Review status: criteria provided, single submitter. Criteria: Invitae Variant Classification Sherloc (09022015). Collection method: clinical testing. Allele origin: germline.
Comment: This variant, c.348_374del, results in the deletion of 9 amino acid(s) of the THAP11 protein (p.Gln124_Gln132del), but otherwise preserves the integrity of the reading frame. The frequency data for this variant in the population databases is considered unreliable, as metrics indicate poor data quality at this position in the gnomAD database. This variant has not been reported in the literature in individuals affected with THAP11-related conditions. Experimental studies and prediction algorithms are not available or were not evaluated, and the functional significance of this variant is currently unknown. In summary, the available evidence is currently insufficient to determine the role of this variant in disease. Therefore, it has been classified as a Variant of Uncertain Significance.

Breakthrough Genomics
Classification: Uncertain significance. Review status: criteria provided, single submitter. Criteria: ACMG Guidelines, 2015. Collection method: not provided. Allele origin: germline. Inheritance: Unknown mechanism. Affected: yes.

NM_020457.3(THAP11):c.321ACAGCAGCAGCAGCAGCAACAGCAGCA[1] (p.Gln124_Gln132del)

Genes: CENPT (centromere protein T; minus strand), THAP11 (THAP domain containing 11; plus strand). Cytogenetic location: 16q22.1.
Variant type: Microsatellite.
Coding change: c.321ACAGCAGCAGCAGCAGCAACAGCAGCA[1] on transcript NM_020457.3 (MANE Select); one copy of the 27-base unit ACAGCAGCAGCAGCAGCAACAGCAGCA starting at c.321; the reference has two copies in a row; one copy, 27 bases deleted.
Protein change: p.Gln124_Gln132del.
Molecular consequence: inframe deletion. On other transcripts: intron variant (1).
Genome position (GRCh38, 1-based): chr16:67,842,902-67,842,928, ACAGCAGCAGCAGCAGCAACAGCAGCA deleted; deleting any 27 consecutive bases within chr16:67,842,867-67,842,928 gives the same sequence; the position shown is the placement nearest the transcript's 3' end. VCF-style (leftmost placement, unchanged base first): chr16-67842866-GCAGCAGCAACAGCAGCAGCAGCAGCAA-G. GRCh37 (hg19) VCF-style: chr16-67876769-GCAGCAGCAACAGCAGCAGCAGCAGCAA-G.
Other names: c.-492+4508_-492+4534del (NM_025082.4).
Identifiers: ClinVar variation 1421063 (VCV001421063.7), dbSNP rs745578392, ClinGen allele CA8118157.
Genomic context (GRCh38, chr16:67,842,866, plus strand): 5'-CGTCAATGAGCGCAAAGTAGCGCGCAGACCCGCTGGGGCCGCGGCCGCCCGCCGCAGGCA[GCAGCAGCAACAGCAGCAGCAGCAGCAA>G]CAGCAGCAACAGCAGCAGCAGCAGCAACAGCAGCAGCAGCAGCAGCAGCAGCAGCAGTCC-3'